The following is an entry in ClinVar:

ClinVar aggregate classification (germline): Uncertain significance. Review status: criteria provided, multiple submitters, no conflicts (2 of 4 stars). 2 submissions from 2 submitters: Uncertain significance (2). Last evaluated 2025-06-09.

Conditions:
NACC1-related disorder. Also called: NACC1-related condition.

Submissions (2):

PreventionGenetics, part of Exact Sciences
Classification: Uncertain significance for NACC1-related condition. Last evaluated: 2025-06-09. Review status: criteria provided, single submitter. Criteria: ACMG Guidelines, 2015. Collection method: clinical testing. Allele origin: germline.
Comment: The NACC1 c.1218_1220delCTT variant is predicted to result in an in-frame deletion (p.Phe407del). To our knowledge, this variant has not been reported in the literature or in a large population database, indicating it is rare. However, most reported disease-associated variants in NACC1 are missense. Although we suspect that this variant may be pathogenic, at this time, the clinical significance is uncertain due to the absence of conclusive functional and genetic evidence.

Labcorp Genetics (formerly Invitae), Labcorp
Classification: Uncertain significance. Last evaluated: 2024-10-15. Review status: criteria provided, single submitter. Criteria: Invitae Variant Classification Sherloc (09022015). Collection method: clinical testing. Allele origin: germline.
Comment: This variant, c.1218_1220del, results in the deletion of 1 amino acid(s) of the NACC1 protein (p.Phe407del), but otherwise preserves the integrity of the reading frame. This variant is not present in population databases (gnomAD no frequency). This variant has not been reported in the literature in individuals affected with NACC1-related conditions. Experimental studies and prediction algorithms are not available or were not evaluated, and the functional significance of this variant is currently unknown. In summary, the available evidence is currently insufficient to determine the role of this variant in disease. Therefore, it has been classified as a Variant of Uncertain Significance.

NM_052876.4(NACC1):c.1215CTT[1] (p.Phe407del)

Gene: NACC1 (nucleus accumbens associated 1; plus strand). Cytogenetic location: 19p13.13.
Variant type: Microsatellite.
Coding change: c.1215CTT[1] on transcript NM_052876.4 (MANE Select); one copy of the 3-base unit CTT starting at c.1215; the reference has two copies in a row; one copy, 3 bases deleted.
Protein change: p.Phe407del; deletes phenylalanine 407.
Molecular consequence: inframe deletion.
Genome position (GRCh38, 1-based): chr19:13,137,368-13,137,370, CTT deleted; deleting any 3 consecutive bases within chr19:13,137,365-13,137,370 gives the same sequence; the position shown is the placement nearest the transcript's 3' end. VCF-style (leftmost placement, unchanged base first): chr19-13137364-CCTT-C. GRCh37 (hg19) VCF-style: chr19-13248178-CCTT-C.
Other names: c.1218_1220delCTT (NM_052876.3); short protein forms F407del.
Identifiers: ClinVar variation 1378545 (VCV001378545.8), dbSNP rs1455048335, ClinGen allele CA645617051.
Genomic context (GRCh38, chr19:13,137,364, plus strand): 5'-TGAACTGCCACGTCAGCGCAGGCACGCGGCACAAGGTCCTACTGCGGCGGCTCCTGGCCT[CCTT>C]CTTTGACCGGTAAGGCCCTTGCCAGAGCCCCAGGGAGGGGGGTGGGGTTTCCCCATGTCC-3'